The following is an entry in ClinVar:

ClinVar aggregate classification (germline): Likely pathogenic (1 of 4 stars; one submission).

Conditions:
Merosin deficient congenital muscular dystrophy (MDC1A). Also called: Congenital merosin-deficient muscular dystrophy 1A; Congenital Muscular Dystrophy Type 1A (MDC1A). Identifiers: Orphanet 258, MedGen C1263858, MONDO:0011925, OMIM 607855.
Muscular dystrophy, limb-girdle, autosomal recessive 23. Identifiers: Orphanet 565837, MedGen C4748327, MONDO:0029136, OMIM 618138.

Submission:

Molecular Genetics Department, Kulakov National Medical Research Center for Obstetrics, Gynecology and Perinatology
Classification: Likely pathogenic for Merosin deficient congenital muscular dystrophy; Muscular dystrophy, limb-girdle, autosomal recessive 23. Review status: criteria provided, single submitter. Criteria: ACMG Guidelines, 2015. Collection method: clinical testing. Allele origin: germline. Affected: yes. Observed: 1 variant allele.
Comment: A previously undescribed homozygous nucleotide variant creates an alteration of the canonical splice site c.1783-1G>A in the LAMA2 gene. Homozygous and compound heterozygous variants are reported in patients with muscular dystrophy, congenital, merosin deficient or partially deficient, 607855; Muscular dystrophy, limb-girdle, autosomal recessive 23, 618138. The variant is not present in population database (gnomAD no frequency). In summary, the currently available evidence indicates that the variant is pathogenic, but additional data are needed to prove that conclusively. Therefore, this variant has been classified as likely pathogenic.

NM_000426.4(LAMA2):c.1783-1G>A

Gene: LAMA2 (laminin subunit alpha 2; plus strand). Cytogenetic location: 6q22.33.
Variant type: single nucleotide variant.
Coding change: c.1783-1G>A on transcript NM_000426.4 (MANE Select); the canonical splice acceptor site of the intron before coding-DNA position 1783, G replaced by A.
Molecular consequence: splice acceptor variant.
Genome position (GRCh38, 1-based): chr6:129,250,111, G>A. VCF-style: chr6-129250111-G-A. GRCh37 (hg19) VCF-style: chr6-129571256-G-A.
Other names: c.1783-1G>A (NM_001079823.2).
Identifiers: ClinVar variation 4294481 (VCV004294481.1).